The following is an entry in ClinVar:

ClinVar aggregate classification (germline): Uncertain significance (1 of 4 stars; one submission).

Submission:

GeneDx
Classification: Uncertain significance. Last evaluated: 2026-02-18. Review status: criteria provided, single submitter. Criteria: GeneDx Variant Classification Process June 2021. Collection method: clinical testing. Allele origin: germline.
Comment: Nonsense variant predicted to result in protein truncation as the last 254 amino acid(s) are lost; Not observed at significant frequency in large population cohorts (gnomAD); Has not been previously published as pathogenic or benign to our knowledge

NM_139318.5(KCNH5):c.2203C>T (p.Gln735Ter)

Gene: KCNH5 (potassium voltage-gated channel subfamily H member 5; minus strand). Cytogenetic location: 14q23.2.
Variant type: single nucleotide variant.
Coding change: c.2203C>T on transcript NM_139318.5 (MANE Select); coding-DNA position 2203, C replaced by T.
Protein change: p.Gln735Ter; replaces glutamine 735 with a stop codon.
Molecular consequence: nonsense. On other transcripts: 3 prime UTR variant (1).
Genome position (GRCh38, 1-based): chr14:62,708,272, G>A on the plus strand (C>T on the coding strand, the complement: KCNH5 is on the minus strand). VCF-style: chr14-62708272-G-A. GRCh37 (hg19) VCF-style: chr14-63174990-G-A.
Other names: c.*170C>T (NM_172375.3); short protein forms Q735*.
Identifiers: ClinVar variation 5009745 (VCV005009745.1).